The following is an entry in ClinVar:

ClinVar aggregate classification (germline): Likely pathogenic (1 of 4 stars; one submission).

Conditions:
Mucopolysaccharidosis, MPS-II (MPS2). Also called: Hunter Syndrome; IDURONATE 2-SULFATASE DEFICIENCY; Mucopolysaccharidosis Type II; Mucopolysaccharidosis type 2; Attenuated MPS (subtype; formerly known as mild MPS II); Severe MPS II. Identifiers: Orphanet 580, Orphanet 79388, MedGen C0026705, MONDO:0010674, OMIM 309900.

Submission:

Laboratory of Diagnosis and Therapy of Lysosomal Disorders, University of Padova
Classification: Likely pathogenic for Mucopolysaccharidosis, MPS-II. Last evaluated: 2024-06-07. Review status: criteria provided, single submitter. Criteria: ACMG Guidelines, 2015. Collection method: literature only. Allele origin: germline. Affected: yes. Observed: 1 variant allele.
Comment: Absent from controls (or at low frequency) in gnomAD database (PM2_Moderate), Multiple lines of computational evidence support a deleterious effect (PP3_Supporting), Patient’s phenotype or family history highly specific for the disease (PP4_Strong)

Classification method: ACMG Guidelines [PMID:25741868] with modifications

Literature cited by the submitters: PubMed 36945845.

NM_000202.8(IDS):c.676_678dup (p.His226_Lys227insHis)

Genes: IDS (iduronate 2-sulfatase; minus strand), LOC106050102 (IDS recombination region; plus strand). Cytogenetic location: Xq28.
Variant type: Duplication.
Coding change: c.676_678dup on transcript NM_000202.8 (MANE Select); coding-DNA positions 676 to 678, 3 bases duplicated (CAT; older notation c.676_678dupCAT).
Protein change: p.His226_Lys227insHis.
Molecular consequence: inframe insertion. On other transcripts: non-coding transcript variant (1).
Genome position (GRCh38, 1-based): chrX:149,498,137-149,498,139, ATG duplicated on the plus strand (CAT on the coding strand, the reverse complement: IDS is on the minus strand); duplicating any 3 consecutive bases within chrX:149,498,137-149,498,141 gives the same sequence; the c. name uses the placement nearest the transcript's 3' end. VCF-style (leftmost placement, unchanged base first): chrX-149498136-T-TATG. GRCh37 (hg19) VCF-style: chrX-148579667-T-TATG.
Other names: c.406_408dup, p.His136_Lys137insHis (NM_001166550.4); c.676_678dup, p.His226_Lys227insHis (NM_006123.5).
Identifiers: ClinVar variation 3255796 (VCV003255796.2).